The following is an entry in ClinVar:

NM_032382.5(COG8):c.1833dup (p.Pro612fs)

Genes: COG8 (component of oligomeric golgi complex 8; minus strand), LOC130059304 (ATAC-STARR-seq lymphoblastoid silent region 7657; plus strand). Cytogenetic location: 16q22.1.
Variant type: Duplication.
Coding change: c.1833dup on transcript NM_032382.5 (MANE Select); coding-DNA position 1833, one base duplicated (G; older notation c.1833dupG).
Protein change: p.Pro612fs; shifts the reading frame from proline 612.
Molecular consequence: frameshift variant.
Genome position (GRCh38, 1-based): chr16:69,330,845, C duplicated on the plus strand (G on the coding strand, the reverse complement: COG8 is on the minus strand); the first of 4 consecutive C bases (chr16:69,330,845-69,330,848); duplicating any one gives the same sequence. VCF-style (leftmost placement, unchanged base first): chr16-69330844-G-GC. GRCh37 (hg19) VCF-style: chr16-69364747-G-GC.
Other names: c.1833dupG (NM_032382.4); short protein forms P612fs.
Identifiers: ClinVar variation 657168 (VCV000657168.7), dbSNP rs1597221180, ClinGen allele CA915949330.

ClinVar aggregate classification (germline): Uncertain significance (1 of 4 stars; one submission).

Conditions:
COG8-congenital disorder of glycosylation. Also called: COG8-CDG; CDG IIh. Identifiers: Orphanet 95428, MedGen C1970021, MONDO:0012635, OMIM 611182.

Submission:

Labcorp Genetics (formerly Invitae), Labcorp
Classification: Uncertain significance for COG8-congenital disorder of glycosylation. Last evaluated: 2018-10-31. Review status: criteria provided, single submitter. Criteria: Invitae Variant Classification Sherloc (09022015). Collection method: clinical testing. Allele origin: germline.
Comment: In summary, the available evidence is currently insufficient to determine the role of this variant in disease. Therefore, it has been classified as a Variant of Uncertain Significance. This variant has not been reported in the literature in individuals with COG8-related disease. The frequency data for this variant in the population databases is considered unreliable, as metrics indicate insufficient coverage at this position in the ExAC database. This sequence change results in a frameshift in the COG8 gene (p.Pro612Alafs*59). While this is not anticipated to result in nonsense mediated decay, it is expected to disrupt the last amino acid of the COG8 protein and extend the protein by an additional 58 amino acids.